The following is an entry in ClinVar:

NM_000138.5(FBN1):c.4811T>A (p.Leu1604Ter)

Gene: FBN1 (fibrillin 1; minus strand). Cytogenetic location: 15q21.1.
Variant type: single nucleotide variant.
Coding change: c.4811T>A on transcript NM_000138.5 (MANE Select); coding-DNA position 4811, T replaced by A.
Protein change: p.Leu1604Ter; replaces leucine 1604 with a stop codon.
Molecular consequence: nonsense.
Genome position (GRCh38, 1-based): chr15:48,465,795, A>T on the plus strand (T>A on the coding strand, the complement: FBN1 is on the minus strand). VCF-style: chr15-48465795-A-T. GRCh37 (hg19) VCF-style: chr15-48757992-A-T.
Other names: c.4811T>A, p.Leu1604Ter (NM_001406716.1); short protein forms L1604*.
Identifiers: ClinVar variation 2943109 (VCV002943109.3), dbSNP rs2505497576, ClinGen allele CA392351560.

ClinVar aggregate classification (germline): Pathogenic (1 of 4 stars; one submission).

Conditions:
Marfan syndrome (MFS). Also called: MARFAN SYNDROME, TYPE I; Marfan syndrome type 1; Marfan's syndrome; Marfan syndrome, classic; FBN1-Related Marfan Syndrome. Identifiers: Orphanet 284963, Orphanet 558, MedGen C0024796, MONDO:0007947, OMIM 154700.
Familial thoracic aortic aneurysm and aortic dissection (TAAD). Also called: Thoracic aortic aneurysms and dissections. Identifiers: Orphanet 91387, MedGen C4707243, MONDO:0019625.

Submission:

Labcorp Genetics (formerly Invitae), Labcorp
Classification: Pathogenic for Marfan syndrome; Familial thoracic aortic aneurysm and aortic dissection. Last evaluated: 2023-04-11. Review status: criteria provided, single submitter. Criteria: Invitae Variant Classification Sherloc (09022015). Collection method: clinical testing. Allele origin: germline.
Comment: For these reasons, this variant has been classified as Pathogenic. This variant has not been reported in the literature in individuals affected with FBN1-related conditions. This variant is not present in population databases (gnomAD no frequency). This sequence change creates a premature translational stop signal (p.Leu1604*) in the FBN1 gene. It is expected to result in an absent or disrupted protein product. Loss-of-function variants in FBN1 are known to be pathogenic (PMID: 17657824, 19293843).

Literature cited by the submitters: PubMed 17657824; PubMed 19293843.